The following is an entry in ClinVar:

ClinVar aggregate classification (germline): Uncertain significance. Review status: criteria provided, multiple submitters, no conflicts (2 of 4 stars). 4 submissions from 3 submitters: Uncertain significance (4). Last evaluated 2024-02-01.

Conditions:
Pierson syndrome. Also called: MICROCORIA-CONGENITAL NEPHROTIC SYNDROME. Identifiers: Orphanet 2670, MedGen C1836876, MONDO:0012184, OMIM 609049.
LAMB2-related infantile-onset nephrotic syndrome. Also called: NEPHROTIC SYNDROME, TYPE 5, WITHOUT OCULAR ABNORMALITIES; NEPHROTIC SYNDROME, TYPE 5, WITH OCULAR ABNORMALITIES; Nephrotic Syndrome, type 5. Identifiers: Orphanet 306507, MedGen C3280113, MONDO:0013621, OMIM 614199.

Allele frequency attached by ClinVar (database versions not stated): TOPMed 0.00006; gnomAD exomes 0.00009 and 0.00010; ExAC 0.00005.

Submissions (4):

CeGaT Center for Human Genetics Tuebingen
Classification: Uncertain significance. Last evaluated: 2024-02-01. Review status: criteria provided, single submitter. Criteria: CeGaT Center For Human Genetics Tuebingen Variant Classification Criteria Version 2. Collection method: clinical testing. Allele origin: germline. Affected: yes. Observed: 1 variant allele.
Comment: LAMB2: PM2, BP4

Labcorp Genetics (formerly Invitae), Labcorp
Classification: Uncertain significance for LAMB2-related infantile-onset nephrotic syndrome; Pierson syndrome. Last evaluated: 2021-11-28. Review status: criteria provided, single submitter. Criteria: Invitae Variant Classification Sherloc (09022015). Collection method: clinical testing. Allele origin: germline.
Comment: This sequence change replaces asparagine, which is neutral and polar, with serine, which is neutral and polar, at codon 880 of the LAMB2 protein (p.Asn880Ser). This variant is present in population databases (rs781619412, gnomAD 0.02%). This variant has not been reported in the literature in individuals affected with LAMB2-related conditions. ClinVar contains an entry for this variant (Variation ID: 901507). Algorithms developed to predict the effect of missense changes on protein structure and function (SIFT, PolyPhen-2, Align-GVGD) all suggest that this variant is likely to be disruptive. Algorithms developed to predict the effect of sequence changes on RNA splicing suggest that this variant may create or strengthen a splice site. In summary, the available evidence is currently insufficient to determine the role of this variant in disease. Therefore, it has been classified as a Variant of Uncertain Significance.

Illumina Laboratory Services, Illumina
Classification: Uncertain significance for LAMB2-related infantile-onset nephrotic syndrome. Last evaluated: 2018-01-12. Review status: criteria provided, single submitter. Criteria: ICSL Variant Classification Criteria 13 December 2019. Collection method: clinical testing. Allele origin: germline.

Illumina Laboratory Services, Illumina
Classification: Uncertain significance for Pierson syndrome. Last evaluated: 2018-01-12. Review status: criteria provided, single submitter. Criteria: ICSL Variant Classification Criteria 13 December 2019. Collection method: clinical testing. Allele origin: germline.

NM_002292.4(LAMB2):c.2639A>G (p.Asn880Ser)

Gene: LAMB2 (laminin subunit beta 2; minus strand). Cytogenetic location: 3p21.31.
Variant type: single nucleotide variant.
Coding change: c.2639A>G on transcript NM_002292.4 (MANE Select); coding-DNA position 2639, A replaced by G.
Protein change: p.Asn880Ser; replaces asparagine 880 with serine.
Molecular consequence: missense variant.
Genome position (GRCh38, 1-based): chr3:49,125,334, T>C on the plus strand (A>G on the coding strand, the complement: LAMB2 is on the minus strand). VCF-style: chr3-49125334-T-C. GRCh37 (hg19) VCF-style: chr3-49162767-T-C.
Other names: short protein forms N880S.
Identifiers: ClinVar variation 901507 (VCV000901507.27), dbSNP rs781619412, ClinGen allele CA2394262.